The following is an entry in ClinVar:

NM_004055.5(CAPN5):c.862G>A (p.Glu288Lys)

Gene: CAPN5 (calpain 5; plus strand). Cytogenetic location: 11q13.5.
Variant type: single nucleotide variant.
Coding change: c.862G>A on transcript NM_004055.5 (MANE Select); coding-DNA position 862, G replaced by A.
Protein change: p.Glu288Lys; replaces glutamic acid 288 with lysine.
Molecular consequence: missense variant.
Genome position (GRCh38, 1-based): chr11:77,115,557, G>A. VCF-style: chr11-77115557-G-A. GRCh37 (hg19) VCF-style: chr11-76826603-G-A.
Other names: short protein forms E288K.
Identifiers: ClinVar variation 1518594 (VCV001518594.7), dbSNP rs184564362, ClinGen allele CA6196576.

ClinVar aggregate classification (germline): Conflicting classifications of pathogenicity. Review status: criteria provided, conflicting classifications (1 of 4 stars). 2 submissions from 2 submitters: Uncertain significance (1); Likely benign (1). Last evaluated 2026-01-21.

Allele frequency attached by ClinVar (database versions not stated): gnomAD 0.00004 and 0.00005; gnomAD exomes 0.00004 and 0.00012; TOPMed 0.00005; ESP Exome Variant Server 0.00008; 1000 Genomes Project 30x 0.00016; ExAC 0.00018; 1000 Genomes Project 0.00020.
gnomAD v4.1: 61 of 1,612,416 alleles (0.0038%); highest among the groups gnomAD compares: Admixed American, 0.033%; no homozygotes.

Submissions (2):

Labcorp Genetics (formerly Invitae), Labcorp
Classification: Uncertain significance. Last evaluated: 2026-01-21. Review status: criteria provided, single submitter. Criteria: Invitae Variant Classification Sherloc (09022015). Collection method: clinical testing. Allele origin: germline.
Comment: This sequence change replaces glutamic acid, which is acidic and polar, with lysine, which is basic and polar, at codon 288 of the CAPN5 protein (p.Glu288Lys). This variant is present in population databases (rs184564362, gnomAD 0.04%), and has an allele count higher than expected for a pathogenic variant. This variant has not been reported in the literature in individuals affected with CAPN5-related conditions. ClinVar contains an entry for this variant (Variation ID: 1518594). Invitae Evidence Modeling of protein sequence and biophysical properties (such as structural, functional, and spatial information, amino acid conservation, physicochemical variation, residue mobility, and thermodynamic stability) indicates that this missense variant is not expected to disrupt CAPN5 protein function with a negative predictive value of 80%. In summary, the available evidence is currently insufficient to determine the role of this variant in disease. Therefore, it has been classified as a Variant of Uncertain Significance.

Blueprint Genetics
Classification: Likely benign. Last evaluated: 2024-02-09. Review status: criteria provided, single submitter. Criteria: ACMG Guidelines, 2015. Collection method: clinical testing. Allele origin: germline.